The following is an entry in ClinVar:

NM_006514.4(SCN10A):c.2850A>G (p.Lys950=)

Genes: SCN10A (sodium voltage-gated channel alpha subunit 10; minus strand), LOC110121288 (VISTA enhancer hs2268; plus strand). Cytogenetic location: 3p22.2.
Variant type: single nucleotide variant.
Coding change: c.2850A>G on transcript NM_006514.4 (MANE Select); coding-DNA position 2850, A replaced by G.
Protein change: p.Lys950=; no amino-acid change (lysine 950 retained).
Molecular consequence: synonymous variant.
Genome position (GRCh38, 1-based): chr3:38,726,843, T>C on the plus strand (A>G on the coding strand, the complement: SCN10A is on the minus strand). VCF-style: chr3-38726843-T-C. GRCh37 (hg19) VCF-style: chr3-38768334-T-C.
Other names: p.Lys950=; c.2850A>G (NM_006514.3); c.2850A>G, p.Lys950= (NM_001293306.2); c.2556A>G, p.Lys852= (NM_001293307.2).
Identifiers: ClinVar variation 380869 (VCV000380869.17), dbSNP rs7374804, ClinGen allele CA2320419.
Genomic context (GRCh38, chr3:38,726,843, plus strand): 5'-GCTCCCCCTGGCAGTGTTGGCAGCAATGTGGTTCTCAGCCTTGGAGCTGGAGAGTGGGAG[T>C]TTCACCACCAGCTCAGGCTCTGCCTTGGGCTGGGGGAATGGGCAGGACCTGCTGAAGAAG-3'
Protein context (NP_006505.4, residues 940-960): QPKAEPELVV[Lys950=]LPLSSSKAEN

ClinVar aggregate classification (germline): Benign. Review status: criteria provided, multiple submitters, no conflicts (2 of 4 stars). 8 submissions from 8 submitters: Benign (6). 2 of the submissions do not count toward it. Last evaluated 2026-02-04.

Conditions:
Brugada syndrome. Also called: Sudden unexpected nocturnal death syndrome; Sudden Unexplained Death Syndrome; Sudden Unexplained Nocturnal Death Syndrome (SUNDS); Sudden unexplained nocturnal death syndrome. Identifiers: Orphanet 130, MedGen C1142166, MONDO:0015263.
Cardiovascular phenotype. Identifiers: MedGen CN230736.

Allele frequency attached by ClinVar (database versions not stated): ESP Exome Variant Server 0.07066; TOPMed 0.08495; ExAC 0.09468; 1000 Genomes Project 30x 0.13289; 1000 Genomes Project 0.13598.
gnomAD v4.1: 121,707 of 1,613,522 alleles (7.5%); highest among the groups gnomAD compares: East Asian, 24%; 5,696 homozygotes.

Submissions (8):

Labcorp Genetics (formerly Invitae), Labcorp
Classification: Benign for Brugada syndrome. Last evaluated: 2026-02-04. Review status: criteria provided, single submitter. Criteria: Invitae Variant Classification Sherloc (09022015). Collection method: clinical testing. Allele origin: germline.

Women's Health and Genetics/Laboratory Corporation of America, LabCorp
Classification: Benign. Last evaluated: 2023-07-29. Review status: criteria provided, single submitter. Criteria: LabCorp Variant Classification Summary - May 2015. Collection method: clinical testing. Allele origin: germline.

Ambry Genetics
Classification: Benign for Cardiovascular phenotype. Last evaluated: 2018-12-03. Review status: criteria provided, single submitter. Criteria: Ambry Variant Classification Scheme 2023. Collection method: clinical testing. Allele origin: germline.

Mayo Clinic Laboratories, Mayo Clinic
Classification: Benign. Last evaluated: 2017-07-19. Review status: criteria provided, single submitter. Criteria: ACMG Guidelines, 2015. Collection method: clinical testing. Allele origin: germline. Observed: 190 variant alleles.

GeneDx
Classification: Benign. Last evaluated: 2016-10-03. Review status: criteria provided, single submitter. Criteria: GeneDx Variant Classification (06012015). Collection method: clinical testing. Allele origin: germline. Affected: yes.
Comment: This variant is considered likely benign or benign based on one or more of the following criteria: it is a conservative change, it occurs at a poorly conserved position in the protein, it is predicted to be benign by multiple in silico algorithms, and/or has population frequency not consistent with disease.

Breakthrough Genomics
Classification: Benign. Review status: criteria provided, single submitter. Criteria: ACMG Guidelines, 2015. Collection method: not provided. Allele origin: germline. Inheritance: Autosomal dominant inheritance. Affected: yes.

Clinical Genetics, Academic Medical Center
Classification: Benign. Review status: no assertion criteria provided. Collection method: clinical testing. Allele origin: germline. Affected: yes. Study: VKGL Data-share Consensus. Not counted in ClinVar's aggregate classification.

Joint Genome Diagnostic Labs from Nijmegen and Maastricht, Radboudumc and MUMC+
Classification: Benign. Review status: no assertion criteria provided. Collection method: clinical testing. Allele origin: germline. Affected: yes. Study: VKGL Data-share Consensus. Not counted in ClinVar's aggregate classification.